The following is an entry in ClinVar:

ClinVar aggregate classification (germline): Uncertain significance (1 of 4 stars; one submission).

Submission:

CeGaT Center for Human Genetics Tuebingen
Classification: Uncertain significance. Last evaluated: 2024-12-01. Review status: criteria provided, single submitter. Criteria: CeGaT Center For Human Genetics Tuebingen Variant Classification Criteria Version 2. Collection method: clinical testing. Allele origin: germline. Affected: yes. Observed: 1 variant allele.
Comment: KCNH2: PM2, PM6:Supporting, PP3

NM_000238.4(KCNH2):c.1180C>A (p.Arg394Ser)

Gene: KCNH2 (potassium voltage-gated channel subfamily H member 2; minus strand). Cytogenetic location: 7q36.1.
Variant type: single nucleotide variant.
Coding change: c.1180C>A on transcript NM_000238.4 (MANE Select); coding-DNA position 1180, C replaced by A.
Protein change: p.Arg394Ser; replaces arginine 394 with serine.
Molecular consequence: missense variant. On other transcripts: non-coding transcript variant (2).
Genome position (GRCh38, 1-based): chr7:150,952,802, G>T on the plus strand (C>A on the coding strand, the complement: KCNH2 is on the minus strand). VCF-style: chr7-150952802-G-T. GRCh37 (hg19) VCF-style: chr7-150649890-G-T.
Other names: c.160C>A, p.Arg54Ser (NM_001204798.2, NM_172057.3); c.892C>A, p.Arg298Ser (NM_001406753.1, NM_001406756.1); c.1003C>A, p.Arg335Ser (NM_001406755.1); c.880C>A, p.Arg294Ser (NM_001406757.1); c.1180C>A, p.Arg394Ser (NM_172056.3); short protein forms R294S, R298S, R335S, R394S, R54S.
Identifiers: ClinVar variation 3772062 (VCV003772062.13).
Genomic context (GRCh38, chr7:150,952,802, plus strand): 5'-TGAGCCAGTCCCACACGGCCTTGAAGGGGCTGTAATGCAGGATGGTCCAGCGGTGGATGC[G>T]CGGTGCCTGCAGCTTGTACTCAGGCAGCACGTCGGCGCCCAGGGACAGGACCTGCACCCG-3'
Protein context (NP_000229.1, residues 384-404): VLPEYKLQAP[Arg394Ser]IHRWTILHYS